The following is an entry in ClinVar:

ClinVar aggregate classification (germline): Uncertain significance (1 of 4 stars; one submission).

Conditions:
Atrioventricular septal defect 5 (AVSD5). Identifiers: MedGen C3280939, MONDO:0013769, OMIM 614474.

Allele frequency attached by ClinVar (database versions not stated): TOPMed below 0.00001.

Submission:

Labcorp Genetics (formerly Invitae), Labcorp
Classification: Uncertain significance for Atrioventricular septal defect 5. Last evaluated: 2022-05-19. Review status: criteria provided, single submitter. Criteria: Invitae Variant Classification Sherloc (09022015). Collection method: clinical testing. Allele origin: germline.
Comment: This sequence change replaces glycine, which is neutral and non-polar, with serine, which is neutral and polar, at codon 295 of the GATA6 protein (p.Gly295Ser). This variant is not present in population databases (gnomAD no frequency). This variant has not been reported in the literature in individuals affected with GATA6-related conditions. Algorithms developed to predict the effect of missense changes on protein structure and function output the following: SIFT: "Deleterious"; PolyPhen-2: "Benign"; Align-GVGD: "Class C0". The serine amino acid residue is found in multiple mammalian species, which suggests that this missense change does not adversely affect protein function. In summary, the available evidence is currently insufficient to determine the role of this variant in disease. Therefore, it has been classified as a Variant of Uncertain Significance.

NM_005257.6(GATA6):c.883G>A (p.Gly295Ser)

Gene: GATA6 (GATA binding protein 6; plus strand). Cytogenetic location: 18q11.2.
Variant type: single nucleotide variant.
Coding change: c.883G>A on transcript NM_005257.6 (MANE Select); coding-DNA position 883, G replaced by A.
Protein change: p.Gly295Ser; replaces glycine 295 with serine.
Molecular consequence: missense variant.
Genome position (GRCh38, 1-based): chr18:22,172,027, G>A. VCF-style: chr18-22172027-G-A. GRCh37 (hg19) VCF-style: chr18-19751988-G-A.
Other names: short protein forms G295S.
Identifiers: ClinVar variation 2102914 (VCV002102914.4), dbSNP rs1480096974, ClinGen allele CA401801240.